The following is an entry in ClinVar:

NM_002907.4(RECQL):c.178G>A (p.Glu60Lys)

Gene: RECQL (RecQ like helicase; minus strand). Cytogenetic location: 12p12.1.
Variant type: single nucleotide variant.
Coding change: c.178G>A on transcript NM_002907.4 (MANE Select); coding-DNA position 178, G replaced by A.
Protein change: p.Glu60Lys; replaces glutamic acid 60 with lysine.
Molecular consequence: missense variant.
Genome position (GRCh38, 1-based): chr12:21,491,555, C>T on the plus strand (G>A on the coding strand, the complement: RECQL is on the minus strand). VCF-style: chr12-21491555-C-T. GRCh37 (hg19) VCF-style: chr12-21644489-C-T.
Other names: c.178G>A, p.Glu60Lys (NM_032941.3); short protein forms E60K.
Identifiers: ClinVar variation 3944225 (VCV003944225.1).

ClinVar aggregate classification (germline): Uncertain significance (1 of 4 stars; one submission).

Submission:

Ambry Genetics
Classification: Uncertain significance. Last evaluated: 2025-05-31. Review status: criteria provided, single submitter. Criteria: Ambry Variant Classification Scheme 2023. Collection method: clinical testing. Allele origin: germline.
Comment: The p.E60K variant (also known as c.178G>A), located in coding exon 2 of the RECQL gene, results from a G to A substitution at nucleotide position 178. The glutamic acid at codon 60 is replaced by lysine, an amino acid with similar properties. This amino acid position is conserved. In addition, this alteration is predicted to be tolerated by in silico analysis. Based on the available evidence, the clinical significance of this variant remains unclear.